The following is an entry in ClinVar:

ClinVar aggregate classification (germline): not provided (0 of 4 stars; one submission).

Conditions:
Preeclampsia. Identifiers: Orphanet 275555, MedGen C0032914, MONDO:0005081, HP:0100602.

Submission:

Institute of Molecular and Cell Biology, University of Tartu
No classification provided. Condition: Preeclampsia. Review status: no classification provided. Collection method: case-control. Allele origin: unknown. Affected: yes. Study: Kasak2014.
Comment: The study aimed to determine the contribution of copy number variants in the genetic etiology of normal and complicated pregnancies. The samples represented (i) maternal blood DNA drawn from healthy pregnant women during 1st or 2nd trimester and (ii) maternal and paternal blood DNA drawn at term pregnancy cases representing normal and complicated gestations (severe preeclampsia, PE; gestational diabetes, GD; small-for-gestational age newborn, SGA; large-for-gestational age newborn, LGA). We performed CNV calling based on genome-wide genotyping dataset (Illumina HumanOmniExpress-24-v1 BeadChip) by applying three algorithms, QuantiSNP, GADA (Genome Alteration Detection Algorithm) and CNstream in parallel. The acquired CNV calls were merged with HD-CNV (Hotspot Detector for Copy Number Variants) program and only the CNVs predicted by at least two programs, were considered in subsequent analysis.

Literature cited by the submitters: PubMed 25666259.

Single allele

Gene: GRIN2A (glutamate ionotropic receptor NMDA type subunit 2A; minus strand). Cytogenetic location: 16p13.2.
Variant type: Deletion.
Identifiers: ClinVar variation 157355 (VCV000157355.2).